The following is an entry in ClinVar:

NM_002769.5(PRSS1):c.592-4C>G

Genes: TRB (T cell receptor beta locus; plus strand), PRSS1 (serine protease 1; plus strand). Cytogenetic location: 7q34.
Variant type: single nucleotide variant.
Coding change: c.592-4C>G on transcript NM_002769.5 (MANE Select); 4 bases into the intron before coding-DNA position 592, C replaced by G.
Molecular consequence: intron variant.
Genome position (GRCh38, 1-based): chr7:142,752,864, C>G. VCF-style: chr7-142752864-C-G. GRCh37 (hg19) VCF-style: chr7-142460715-C-G.
Identifiers: ClinVar variation 1696217 (VCV001696217.3), dbSNP rs375342697, ClinGen allele CA1748624617.

ClinVar aggregate classification (germline): Uncertain significance. Review status: criteria provided, multiple submitters, no conflicts (2 of 4 stars). 2 submissions from 2 submitters: Uncertain significance (2). Last evaluated 2022-05-31.

Conditions:
Hereditary pancreatitis (PCTT). Also called: Hereditary chronic pancreatitis; PRSS1-Related Hereditary Pancreatitis. Identifiers: Orphanet 676, MedGen C0238339, MONDO:0008185, OMIM 167800.

Submissions (2):

Women's Health and Genetics/Laboratory Corporation of America, LabCorp
Classification: Uncertain significance. Last evaluated: 2022-05-31. Review status: criteria provided, single submitter. Criteria: LabCorp Variant Classification Summary - May 2015. Collection method: clinical testing. Allele origin: germline.
Comment: Variant summary: PRSS1 c.592-4C>G alters a non-conserved nucleotide located close to a canonical splice site and therefore could affect mRNA splicing, leading to a significantly altered protein sequence. 4/4 computational tools predict no significant impact on normal splicing. However, these predictions have yet to be confirmed by functional studies. The variant was absent in 251450 control chromosomes. The available data on variant occurrences in the general population are insufficient to allow any conclusion about variant significance. To our knowledge, no occurrence of c.592-4C>G in individuals affected with Chronic Pancreatitis Risk and no experimental evidence demonstrating its impact on protein function have been reported. No clinical diagnostic laboratories have submitted clinical-significance assessments for this variant to ClinVar after 2014. Based on the evidence outlined above, the variant was classified as uncertain significance.

Ambry Genetics
Classification: Uncertain significance for Hereditary pancreatitis. Last evaluated: 2021-08-10. Review status: criteria provided, single submitter. Criteria: Ambry Variant Classification Scheme 2023. Collection method: clinical testing. Allele origin: germline.
Comment: The c.592-4C>G intronic variant results from a C to G substitution 4 nucleotides upstream from coding exon 5 in the PRSS1 gene. This nucleotide position is well conserved in available vertebrate species. In silico splice site analysis predicts that this alteration will not have any significant effect on splicing. Since supporting evidence is limited at this time, the clinical significance of this alteration remains unclear.